The following is an entry in ClinVar:

ClinVar aggregate classification (germline): Uncertain significance. Review status: criteria provided, multiple submitters, no conflicts (2 of 4 stars). 2 submissions from 2 submitters: Uncertain significance (2). Last evaluated 2022-11-16.

Conditions:
Ataxia-telangiectasia syndrome (AT). Also called: Ataxia-telangiectasia; LOUIS-BAR SYNDROME; Ataxia-telangiectasia, complementation group D; AT, COMPLEMENTATION GROUP C; ATAXIA-TELANGIECTASIA, COMPLEMENTATION GROUP A; ATAXIA-TELANGIECTASIA, FRESNO VARIANT. Identifiers: Orphanet 100, MedGen C0004135, MONDO:0008840, OMIM 208900.
Hereditary cancer-predisposing syndrome. Also called: Tumor predisposition; Neoplastic Syndromes, Hereditary; Hereditary Cancer Syndrome; Hereditary neoplastic syndrome. Identifiers: Orphanet 140162, MedGen C0027672, MeSH D009386, MONDO:0015356.

Submissions (2):

Color Diagnostics, LLC DBA Color Health
Classification: Uncertain significance for Hereditary cancer-predisposing syndrome. Last evaluated: 2022-11-16. Review status: criteria provided, single submitter. Criteria: ACMG Guidelines, 2015. Collection method: clinical testing. Allele origin: germline.
Comment: This missense variant replaces methionine with isoleucine at codon 2962 of the ATM protein. Computational prediction is inconclusive regarding the impact of this variant on protein structure and function (internally defined REVEL score threshold 0.5 < inconclusive < 0.7, PMID: 27666373). To our knowledge, functional studies have not been reported for this variant. This variant has not been reported in individuals affected with ATM-related disorders in the literature. This variant has not been identified in the general population by the Genome Aggregation Database (gnomAD). The available evidence is insufficient to determine the role of this variant in disease conclusively. Therefore, this variant is classified as a Variant of Uncertain Significance.

Labcorp Genetics (formerly Invitae), Labcorp
Classification: Uncertain significance for Ataxia-telangiectasia syndrome. Last evaluated: 2021-10-15. Review status: criteria provided, single submitter. Criteria: Invitae Variant Classification Sherloc (09022015). Collection method: clinical testing. Allele origin: germline.
Comment: This sequence change replaces methionine with isoleucine at codon 2962 of the ATM protein (p.Met2962Ile). The methionine residue is highly conserved and there is a small physicochemical difference between methionine and isoleucine. This variant is not present in population databases (ExAC no frequency). This variant has not been reported in the literature in individuals affected with ATM-related conditions. Algorithms developed to predict the effect of missense changes on protein structure and function (SIFT, PolyPhen-2, Align-GVGD) all suggest that this variant is likely to be tolerated. In summary, the available evidence is currently insufficient to determine the role of this variant in disease. Therefore, it has been classified as a Variant of Uncertain Significance.

NM_000051.4(ATM):c.8886G>A (p.Met2962Ile)

Genes: ATM (ATM serine/threonine kinase; plus strand), C11orf65 (chromosome 11 open reading frame 65; minus strand). Cytogenetic location: 11q22.3.
Variant type: single nucleotide variant.
Coding change: c.8886G>A on transcript NM_000051.4 (MANE Select); coding-DNA position 8886, G replaced by A.
Protein change: p.Met2962Ile; replaces methionine 2962 with isoleucine.
Molecular consequence: missense variant. On other transcripts: intron variant (2).
Genome position (GRCh38, 1-based): chr11:108,365,117, G>A. VCF-style: chr11-108365117-G-A. GRCh37 (hg19) VCF-style: chr11-108235844-G-A.
Other names: c.8886G>A, p.Met2962Ile (NM_001351834.2); c.640+20803C>T (NM_001330368.2); c.694+20803C>T (NM_001351110.2); short protein forms M2962I.
Identifiers: ClinVar variation 1421235 (VCV001421235.8), dbSNP rs2137874845, ClinGen allele CA382529705.